The following is an entry in ClinVar:

NM_025137.4(SPG11):c.5876dup (p.Asp1960fs)

Gene: SPG11 (SPG11 vesicle trafficking associated, spatacsin; minus strand). Cytogenetic location: 15q21.1.
Variant type: Duplication.
Coding change: c.5876dup on transcript NM_025137.4 (MANE Select); coding-DNA position 5876, one base duplicated (T; older notation c.5876dupT).
Protein change: p.Asp1960fs; shifts the reading frame from aspartic acid 1960.
Molecular consequence: frameshift variant. On other transcripts: intron variant (1).
Genome position (GRCh38, 1-based): chr15:44,575,032, A duplicated on the plus strand (T on the coding strand, the reverse complement: SPG11 is on the minus strand). VCF-style (leftmost placement, unchanged base first): chr15-44575031-C-CA. GRCh37 (hg19) VCF-style: chr15-44867229-C-CA.
Other names: c.5732dup, p.Asp1912fs (NM_001411132.1); c.5867-2212dup (NM_001160227.2); short protein forms D1912fs, D1960fs.
Identifiers: ClinVar variation 2976245 (VCV002976245.3), dbSNP rs2505239464, ClinGen allele CA2740097282.

ClinVar aggregate classification (germline): Pathogenic (1 of 4 stars; one submission).

Conditions:
Hereditary spastic paraplegia 11. Also called: Nakamura Osame syndrome; Autosomal recessive hereditary spastic paraplegia, mental impairment, and thin corpus callosum; Spastic Paraplegia 11; Spastic paraplegia, mental retardation and thin corpus callosum; SPASTIC PARAPLEGIA, AUTOSOMAL RECESSIVE, COMPLICATED, WITH THIN CORPUS CALLOSUM; SPASTIC PARAPLEGIA, AUTOSOMAL RECESSIVE, WITH MENTAL IMPAIRMENT AND THIN CORPUS CALLOSUM. Identifiers: Orphanet 2822, MedGen C1858479, MONDO:0011445, OMIM 604360.

Submission:

Labcorp Genetics (formerly Invitae), Labcorp
Classification: Pathogenic for Hereditary spastic paraplegia 11. Last evaluated: 2023-02-26. Review status: criteria provided, single submitter. Criteria: Invitae Variant Classification Sherloc (09022015). Collection method: clinical testing. Allele origin: germline.
Comment: This sequence change creates a premature translational stop signal (p.Asp1960Glyfs*2) in the SPG11 gene. It is expected to result in an absent or disrupted protein product. Loss-of-function variants in SPG11 are known to be pathogenic (PMID: 19105190, 20110243, 22154821, 26556829). This variant is not present in population databases (gnomAD no frequency). This variant has not been reported in the literature in individuals affected with SPG11-related conditions. For these reasons, this variant has been classified as Pathogenic.

Literature cited by the submitters: PubMed 19105190; PubMed 20110243; PubMed 22154821; PubMed 26556829.